The following is an entry in ClinVar:

NM_015650.4(TRAF3IP1):c.587A>G (p.Glu196Gly)

Gene: TRAF3IP1 (TRAF3 interacting protein 1; plus strand). Cytogenetic location: 2q37.3.
Variant type: single nucleotide variant.
Coding change: c.587A>G on transcript NM_015650.4 (MANE Select); coding-DNA position 587, A replaced by G.
Protein change: p.Glu196Gly; replaces glutamic acid 196 with glycine.
Molecular consequence: missense variant.
Genome position (GRCh38, 1-based): chr2:238,329,014, A>G. VCF-style: chr2-238329014-A-G. GRCh37 (hg19) VCF-style: chr2-239237655-A-G.
Other names: c.587A>G, p.Glu196Gly (NM_001139490.1); short protein forms E196G.
Identifiers: ClinVar variation 1450619 (VCV001450619.6), dbSNP rs2106363863, ClinGen allele CA351244475.

ClinVar aggregate classification (germline): Uncertain significance (1 of 4 stars; one submission).

Allele frequency attached by ClinVar (database versions not stated): gnomAD exomes below 0.00001.
gnomAD v4.1: 6 of 1,551,822 alleles (0.00039%); highest among the groups gnomAD compares: South Asian, 0.0024%; 1 homozygote.

Submission:

Labcorp Genetics (formerly Invitae), Labcorp
Classification: Uncertain significance. Last evaluated: 2024-01-08. Review status: criteria provided, single submitter. Criteria: Invitae Variant Classification Sherloc (09022015). Collection method: clinical testing. Allele origin: germline.
Comment: This sequence change replaces glutamic acid, which is acidic and polar, with glycine, which is neutral and non-polar, at codon 196 of the TRAF3IP1 protein (p.Glu196Gly). This variant is not present in population databases (gnomAD no frequency). This variant has not been reported in the literature in individuals affected with TRAF3IP1-related conditions. ClinVar contains an entry for this variant (Variation ID: 1450619). Advanced modeling of protein sequence and biophysical properties (such as structural, functional, and spatial information, amino acid conservation, physicochemical variation, residue mobility, and thermodynamic stability) performed at Invitae indicates that this missense variant is expected to disrupt TRAF3IP1 protein function with a positive predictive value of 80%. In summary, the available evidence is currently insufficient to determine the role of this variant in disease. Therefore, it has been classified as a Variant of Uncertain Significance.